The following is an entry in ClinVar:

ClinVar aggregate classification (germline): Uncertain significance. Review status: criteria provided, multiple submitters, no conflicts (2 of 4 stars). 2 submissions from 2 submitters: Uncertain significance (2). Last evaluated 2025-09-26.

Conditions:
Inborn genetic diseases. Identifiers: MedGen C0950123, MeSH D030342.

Allele frequency attached by ClinVar (database versions not stated): gnomAD 0.00001; TOPMed 0.00004.

Submissions (2):

Ambry Genetics
Classification: Uncertain significance for Inborn genetic diseases. Last evaluated: 2025-09-26. Review status: criteria provided, single submitter. Criteria: Ambry Variant Classification Scheme 2023. Collection method: clinical testing. Allele origin: germline.

Labcorp Genetics (formerly Invitae), Labcorp
Classification: Uncertain significance. Last evaluated: 2024-11-18. Review status: criteria provided, single submitter. Criteria: Invitae Variant Classification Sherloc (09022015). Collection method: clinical testing. Allele origin: germline.
Comment: This sequence change replaces glutamine, which is neutral and polar, with arginine, which is basic and polar, at codon 734 of the ADAM9 protein (p.Gln734Arg). This variant is present in population databases (rs757918348, gnomAD 0.1%). This variant has not been reported in the literature in individuals affected with ADAM9-related conditions. ClinVar contains an entry for this variant (Variation ID: 853334). An algorithm developed to predict the effect of missense changes on protein structure and function outputs the following: PolyPhen-2: "Benign". The arginine amino acid residue is found in multiple mammalian species, which suggests that this missense change does not adversely affect protein function. In summary, the available evidence is currently insufficient to determine the role of this variant in disease. Therefore, it has been classified as a Variant of Uncertain Significance.

NM_003816.3(ADAM9):c.2201A>G (p.Gln734Arg)

Gene: ADAM9 (ADAM metallopeptidase domain 9; plus strand). Cytogenetic location: 8p11.22.
Variant type: single nucleotide variant.
Coding change: c.2201A>G on transcript NM_003816.3 (MANE Select); coding-DNA position 2201, A replaced by G.
Protein change: p.Gln734Arg; replaces glutamine 734 with arginine.
Molecular consequence: missense variant. On other transcripts: non-coding transcript variant (2).
Genome position (GRCh38, 1-based): chr8:39,090,179, A>G. VCF-style: chr8-39090179-A-G. GRCh37 (hg19) VCF-style: chr8-38947698-A-G.
Other names: short protein forms Q734R.
Identifiers: ClinVar variation 853334 (VCV000853334.8), dbSNP rs757918348, ClinGen allele CA4721824.
Genomic context (GRCh38, chr8:39,090,179, plus strand): 5'-TTTTTATCTTCATCAAGAGGGATCAACTGTGGAGAAGCTACTTCAGAAAGAAGAGATCAC[A>G]AACATATGAGTACTTAGATTTTTTTCTTTTAATTCCTATATTAAATATATACATACATTT-3'
Protein context (NP_003807.1, residues 724-744): WRSYFRKKRS[Gln734Arg]TYESDGKNQA